The following is an entry in ClinVar:

ClinVar aggregate classification (germline): Pathogenic/Likely pathogenic. Review status: criteria provided, multiple submitters, no conflicts (2 of 4 stars). 12 submissions from 12 submitters: Pathogenic (11); Likely pathogenic (1). Last evaluated 2026-03-10.

Conditions:
SLC3A1-related disorder. Also called: SLC3A1-related condition.
Cystinuria (CSNU). Also called: Cystinuria, non-type I; CYSTINURIA, TYPE I; CYSTINURIA, TYPE II; CYSTINURIA, TYPE III. Identifiers: Orphanet 214, MedGen C0010691, MONDO:0009067, OMIM 220100, HP:0003131.

Allele frequency attached by ClinVar (database versions not stated): gnomAD exomes 0.00009; ExAC 0.00007; ESP Exome Variant Server 0.00008; TOPMed 0.00007.
gnomAD v4.1: 129 of 1,612,826 alleles (0.008%); highest among the groups gnomAD compares: Middle Eastern, 0.033%; no homozygotes.

Submissions (12):

GeneDx
Classification: Pathogenic. Last evaluated: 2026-03-10. Review status: criteria provided, single submitter. Criteria: GeneDx Variant Classification Process June 2021. Collection method: clinical testing. Allele origin: germline.
Comment: Published functional studies suggest a damaging effect on protein function (PMID: 18332091, 9648062); In silico analysis supports that this missense variant has a deleterious effect on protein structure/function; This variant is associated with the following publications: (PMID: 21677404, 30146843, 34426522, 10805464, 30069816, 33532864, 36703223, 12234283, 28812535, 9648062, 38547852, 28646536, 18332091, 8792820)

OLLIN Analises Genomicas, OLLIN
Classification: Pathogenic for Cystinuria. Last evaluated: 2026-02-13. Review status: criteria provided, single submitter. Criteria: ACMG Guidelines 2015 PMID 25741868. Collection method: clinical testing. Allele origin: germline. Observed: 1 variant allele.
Comment: PS3_P, PM2_P, PM3_S, PP3_S

CeGaT Center for Human Genetics Tuebingen
Classification: Pathogenic. Last evaluated: 2025-12-01. Review status: criteria provided, single submitter. Criteria: CeGaT Center For Human Genetics Tuebingen Variant Classification Criteria Version 2. Collection method: clinical testing. Allele origin: germline. Affected: yes. Observed: 1 variant allele.
Comment: SLC3A1: PM3:Very Strong, PM2, PS3:Supporting

Labcorp Genetics (formerly Invitae), Labcorp
Classification: Pathogenic for Cystinuria. Last evaluated: 2025-11-06. Review status: criteria provided, single submitter. Criteria: Invitae Variant Classification Sherloc (09022015). Collection method: clinical testing. Allele origin: germline.
Comment: This sequence change replaces threonine, which is neutral and polar, with methionine, which is neutral and non-polar, at codon 216 of the SLC3A1 protein (p.Thr216Met). The frequency data for this variant in the population databases is considered unreliable, as metrics indicate poor data quality at this position in the gnomAD database. This missense change has been observed in individual(s) with cystinuria (PMID: 8792820, 12234283, 28646536). ClinVar contains an entry for this variant (Variation ID: 943110). Invitae Evidence Modeling of protein sequence and biophysical properties (such as structural, functional, and spatial information, amino acid conservation, physicochemical variation, residue mobility, and thermodynamic stability) has been performed for this missense variant. However, the output from this modeling did not meet the statistical confidence thresholds required to predict the impact of this variant on SLC3A1 protein function. Experimental studies have shown that this missense change affects SLC3A1 function (PMID: 9648062, 18332091). For these reasons, this variant has been classified as Pathogenic.

Rare Kidney Stone Consortium and the Mayo Clinic Hyperoxaluria Center, Mayo Clinic
Classification: Pathogenic for Cystinuria. Last evaluated: 2025-10-03. Review status: criteria provided, single submitter. Criteria: ACMG Guidelines, 2015. Collection method: research. Allele origin: germline. Affected: yes. Observed: 1 variant allele.
Comment: ACMG:PM1, PM2, PM5, PP2, PP3, PP5

PreventionGenetics, part of Exact Sciences
Classification: Pathogenic for SLC3A1-related condition. Last evaluated: 2025-03-26. Review status: criteria provided, single submitter. Criteria: ACMG Guidelines, 2015. Collection method: clinical testing. Allele origin: germline.
Comment: The SLC3A1 c.647C>T variant is predicted to result in the amino acid substitution p.Thr216Met. This variant has been reported in the homozygous and compound heterozygous state in numerous individuals with cystinuria (see, for example, Bisceglia et al. 1996. PubMed ID: 8792820; Table S2, Domingo-Gallego et al. 2021. PubMed ID: 33532864; Tostivint et al. 2017. PubMed ID: 28646536). A functional study found that this variant results in decreased uptake and increased degradation post-assembly (Bartoccioni et al. 2008. PubMed ID: 18332091; Saadi et al. 1998. PubMed ID: 9648062). This variant is reported in 24 alleles out of 282784 alleles in individuals in gnomAD. An alternate missense change at the same genomic position (c.647C>G; p.Thr216Arg) has been reported in an individual with cystinuria (Gaildrat et al. 2017. PubMed ID: 28717662). This variant is interpreted as pathogenic for autosomal recessive SLC3A1-related disorders.

Dubai Health Genomic Medicine Center, Dubai Health
Classification: Pathogenic for Cystinuria. Last evaluated: 2024-10-04. Review status: criteria provided, single submitter. Criteria: ACMG Guidelines, 2015. Collection method: research. Allele origin: germline. Affected: yes.
Comment: PM3_VeryStrong, PM2, PS3

Blueprint Genetics
Classification: Pathogenic for SLC3A1-related disorders. Last evaluated: 2024-08-05. Review status: criteria provided, single submitter. Criteria: ACMG Guidelines, 2015. Collection method: clinical testing. Allele origin: germline. Affected: yes. Observed: 5 variant alleles.

Intergen Genetics and Rare Diseases Diagnosis Center
Classification: Pathogenic for Cystinuria. Last evaluated: 2023-12-26. Review status: criteria provided, single submitter. Criteria: ACMG Guidelines, 2015. Collection method: clinical testing. Allele origin: germline. Affected: no.

Clinical Genetics Laboratory, Skane University Hospital Lund
Classification: Pathogenic. Last evaluated: 2022-07-13. Review status: criteria provided, single submitter. Criteria: ACMG Guidelines, 2015. Collection method: clinical testing. Allele origin: germline. Affected: yes.

Molecular Biology Laboratory, Fundació Puigvert
Classification: Likely pathogenic for Cystinuria. Last evaluated: 2020-02-01. Review status: criteria provided, single submitter. Criteria: ACMG Guidelines, 2015. Collection method: research. Allele origin: germline. Affected: yes. Study: KidneyPanel_2020.

Clinical Genetics Service, Universitary Hospital 12 de Octubre
Classification: Pathogenic for Cystinuria. Review status: criteria provided, single submitter. Criteria: ACMG Guidelines, 2015. Collection method: clinical testing. Allele origin: germline. Affected: yes.

Literature cited by the submitters: PubMed 8792820 (cited by Labcorp Genetics (formerly Invitae), Labcorp and Rare Kidney Stone Consortium and the Mayo Clinic Hyperoxaluria Center, Mayo Clinic); PubMed 12234283 (cited by Labcorp Genetics (formerly Invitae), Labcorp); PubMed 28646536 (cited by Labcorp Genetics (formerly Invitae), Labcorp); PubMed 9648062 (cited by Labcorp Genetics (formerly Invitae), Labcorp); PubMed 18332091 (cited by Labcorp Genetics (formerly Invitae), Labcorp and Rare Kidney Stone Consortium and the Mayo Clinic Hyperoxaluria Center, Mayo Clinic); PubMed 10805464 (cited by Rare Kidney Stone Consortium and the Mayo Clinic Hyperoxaluria Center, Mayo Clinic); PubMed 21677404 (cited by Rare Kidney Stone Consortium and the Mayo Clinic Hyperoxaluria Center, Mayo Clinic); PubMed 28812535 (cited by Rare Kidney Stone Consortium and the Mayo Clinic Hyperoxaluria Center, Mayo Clinic); PubMed 30146843 (cited by Rare Kidney Stone Consortium and the Mayo Clinic Hyperoxaluria Center, Mayo Clinic); PubMed 30069816 (cited by Rare Kidney Stone Consortium and the Mayo Clinic Hyperoxaluria Center, Mayo Clinic); PubMed 33532864 (cited by Rare Kidney Stone Consortium and the Mayo Clinic Hyperoxaluria Center, Mayo Clinic and Molecular Biology Laboratory, Fundació Puigvert); PubMed 34426522 (cited by Rare Kidney Stone Consortium and the Mayo Clinic Hyperoxaluria Center, Mayo Clinic); PubMed 36703223 (cited by Rare Kidney Stone Consortium and the Mayo Clinic Hyperoxaluria Center, Mayo Clinic); PubMed 38547852 (cited by Rare Kidney Stone Consortium and the Mayo Clinic Hyperoxaluria Center, Mayo Clinic); PubMed 40794449 (cited by Rare Kidney Stone Consortium and the Mayo Clinic Hyperoxaluria Center, Mayo Clinic).

NM_000341.4(SLC3A1):c.647C>T (p.Thr216Met)

Gene: SLC3A1 (solute carrier family 3 member 1; plus strand). Cytogenetic location: 2p21.
Variant type: single nucleotide variant.
Coding change: c.647C>T on transcript NM_000341.4 (MANE Select); coding-DNA position 647, C replaced by T.
Protein change: p.Thr216Met; replaces threonine 216 with methionine.
Molecular consequence: missense variant.
Genome position (GRCh38, 1-based): chr2:44,281,423, C>T. VCF-style: chr2-44281423-C-T. GRCh37 (hg19) VCF-style: chr2-44508562-C-T.
Other names: short protein forms T216M.
Identifiers: ClinVar variation 943110 (VCV000943110.27), dbSNP rs369641941, ClinGen allele CA1640202.